The following is an entry in ClinVar:

ClinVar aggregate classification (germline): Uncertain significance. Review status: criteria provided, multiple submitters, no conflicts (2 of 4 stars). 3 submissions from 3 submitters: Uncertain significance (3). Last evaluated 2025-12-13.

Conditions:
Familial cancer of breast. Also called: BREAST CANCER, FAMILIAL; Hereditary breast cancer; hereditary breast carcinoma. Identifiers: Orphanet 227535, MedGen C0346153, MONDO:0016419, OMIM 114480. Disease mechanism: loss of function.
Fanconi anemia complementation group J. Also called: BRIP1-Related Fanconi Anemia. Identifiers: Orphanet 84, MedGen C1836860, MONDO:0012187, OMIM 609054.
Hereditary cancer-predisposing syndrome. Also called: Tumor predisposition; Neoplastic Syndromes, Hereditary; Hereditary Cancer Syndrome; Hereditary neoplastic syndrome. Identifiers: Orphanet 140162, MedGen C0027672, MeSH D009386, MONDO:0015356.

gnomAD v4.1: 1 of 1,613,710 alleles (0.000062%); highest among the groups gnomAD compares: Non-Finnish European, 0.000085%; no homozygotes.

Submissions (3):

Labcorp Genetics (formerly Invitae), Labcorp
Classification: Uncertain significance for Familial cancer of breast; Fanconi anemia complementation group J. Last evaluated: 2025-12-13. Review status: criteria provided, single submitter. Criteria: Invitae Variant Classification Sherloc (09022015). Collection method: clinical testing. Allele origin: germline.
Comment: This sequence change replaces arginine, which is basic and polar, with proline, which is neutral and non-polar, at codon 173 of the BRIP1 protein (p.Arg173Pro). This variant is not present in population databases (gnomAD no frequency). This variant has not been reported in the literature in individuals affected with BRIP1-related conditions. ClinVar contains an entry for this variant (Variation ID: 629007). Invitae Evidence Modeling of protein sequence and biophysical properties (such as structural, functional, and spatial information, amino acid conservation, physicochemical variation, residue mobility, and thermodynamic stability) has been performed for this missense variant. However, the output from this modeling did not meet the statistical confidence thresholds required to predict the impact of this variant on BRIP1 protein function. In summary, the available evidence is currently insufficient to determine the role of this variant in disease. Therefore, it has been classified as a Variant of Uncertain Significance.

Ambry Genetics
Classification: Uncertain significance for Hereditary cancer-predisposing syndrome. Last evaluated: 2025-04-07. Review status: criteria provided, single submitter. Criteria: Ambry Variant Classification Scheme 2023. Collection method: clinical testing. Allele origin: germline.
Comment: The p.R173P variant (also known as c.518G>C), located in coding exon 5 of the BRIP1 gene, results from a G to C substitution at nucleotide position 518. The arginine at codon 173 is replaced by proline, an amino acid with dissimilar properties. This amino acid position is conserved. In addition, this alteration is predicted to be deleterious by in silico analysis. Based on the available evidence, the clinical significance of this variant remains unclear.

Color Diagnostics, LLC DBA Color Health
Classification: Uncertain significance for Hereditary cancer-predisposing syndrome. Last evaluated: 2023-12-04. Review status: criteria provided, single submitter. Criteria: ACMG Guidelines, 2015. Collection method: clinical testing. Allele origin: germline.
Comment: This missense variant replaces arginine with proline at codon 173 of the BRIP1 protein. Computational prediction suggests that this variant may not impact protein structure and function (internally defined REVEL score threshold <= 0.5, PMID: 27666373). To our knowledge, functional studies have not been reported for this variant. This variant has not been reported in individuals affected with BRIP1-related disorders in the literature. This variant has not been identified in the general population by the Genome Aggregation Database (gnomAD). The available evidence is insufficient to determine the role of this variant in disease conclusively. Therefore, this variant is classified as a Variant of Uncertain Significance.

NM_032043.3(BRIP1):c.518G>C (p.Arg173Pro)

Gene: BRIP1 (BRCA1 interacting DNA helicase 1; minus strand). Cytogenetic location: 17q23.2.
Variant type: single nucleotide variant.
Coding change: c.518G>C on transcript NM_032043.3 (MANE Select); coding-DNA position 518, G replaced by C.
Protein change: p.Arg173Pro; replaces arginine 173 with proline.
Molecular consequence: missense variant.
Genome position (GRCh38, 1-based): chr17:61,847,210, C>G on the plus strand (G>C on the coding strand, the complement: BRIP1 is on the minus strand). VCF-style: chr17-61847210-C-G. GRCh37 (hg19) VCF-style: chr17-59924571-C-G.
Other names: short protein forms R173P.
Identifiers: ClinVar variation 629007 (VCV000629007.11), dbSNP rs761432927, ClinGen allele CA400483395.